The following is an entry in ClinVar:

NM_001360016.2(G6PD):c.[376A>G;871G>A]

Variant type: Haplotype.
Identifiers: ClinVar variation 1722597 (VCV001722597.2).

ClinVar aggregate classification (germline): Likely pathogenic (1 of 4 stars; one submission).

Conditions:
Anemia, nonspherocytic hemolytic, due to G6PD deficiency (CNSHA1). Also called: Hemolytic anemia due to G6PD deficiency; Favism, susceptibility to; Class I glucose-6-phosphate dehydrogenase deficiency; ANEMIA, CONGENITAL, NONSPHEROCYTIC HEMOLYTIC, 1. Identifiers: Orphanet 466026, MedGen C2720289, MONDO:0010480, OMIM 300908.

Submission:

Dunham Lab, University of Washington
Classification: Likely pathogenic for Anemia, nonspherocytic hemolytic, due to G6PD deficiency. Last evaluated: 2022-08-12. Review status: criteria provided, single submitter. Criteria: Bayesian ACMG Guidelines, 2018. Collection method: curation. Allele origin: unknown. Affected: yes.
Comment: Decreased activity in red blood cells (1%) and when expressed in E. coli (11%) (PS3). 871G>A is below expected carrier frequency in gnomAD (PM2). Post_P 0.949 (odds of pathogenicity 168.4, Prior_P 0.1).

Literature cited by the submitters: PubMed 12367584; PubMed 32387609.